The following is an entry in ClinVar:

NM_000092.5(COL4A4):c.743T>C (p.Val248Ala)

Gene: COL4A4 (collagen type IV alpha 4 chain; minus strand). Cytogenetic location: 2q36.3.
Variant type: single nucleotide variant.
Coding change: c.743T>C on transcript NM_000092.5 (MANE Select); coding-DNA position 743, T replaced by C.
Protein change: p.Val248Ala; replaces valine 248 with alanine.
Molecular consequence: missense variant.
Genome position (GRCh38, 1-based): chr2:227,104,045, A>G on the plus strand (T>C on the coding strand, the complement: COL4A4 is on the minus strand). VCF-style: chr2-227104045-A-G. GRCh37 (hg19) VCF-style: chr2-227968761-A-G.
Other names: c.743T>C (NM_000092.4); short protein forms V248A.
Identifiers: ClinVar variation 1521294 (VCV001521294.9), dbSNP rs754031227, ClinGen allele CA2145437.
Genomic context (GRCh38, chr2:227,104,045, plus strand): 5'-TAGAGACAAAAGTCAGGTGGCTCTACCAACAGGGTGGGTCCAGGAGAACCTTGCTGACCA[A>G]CCTCACCCTTAAAAAAAAAAGCAAGATAATGAAAATTTCATATTAATTTATGTTTTGAAG-3'
Protein context (NP_000083.3, residues 238-258): VKGQMGDPGE[Val248Ala]GQQGSPGPTL

ClinVar aggregate classification (germline): Conflicting classifications of pathogenicity. Review status: criteria provided, conflicting classifications (1 of 4 stars). 2 submissions from 2 submitters: Uncertain significance (1); Likely benign (1). Last evaluated 2024-11-19.

Conditions:
COL4A4-related disorder.

Allele frequency attached by ClinVar (database versions not stated): TOPMed 0.00002; ExAC 0.00003; gnomAD exomes 0.00003.
gnomAD v4.1: 10 of 1,612,754 alleles (0.00062%); highest among the groups gnomAD compares: Admixed American, 0.017%; no homozygotes.

Submissions (2):

PreventionGenetics, part of Exact Sciences
Classification: Uncertain significance for COL4A4-related condition. Last evaluated: 2024-11-19. Review status: criteria provided, single submitter. Criteria: ACMG Guidelines, 2015. Collection method: clinical testing. Allele origin: germline.
Comment: The COL4A4 c.743T>C variant is predicted to result in the amino acid substitution p.Val248Ala. To our knowledge, this variant has not been reported in the literature. This variant is reported in 0.023% of alleles in individuals of Latino descent in gnomAD. At this time, the clinical significance of this variant is uncertain due to the absence of conclusive functional and genetic evidence.

Labcorp Genetics (formerly Invitae), Labcorp
Classification: Likely benign. Last evaluated: 2023-08-17. Review status: criteria provided, single submitter. Criteria: Invitae Variant Classification Sherloc (09022015). Collection method: clinical testing. Allele origin: germline.